The following is an entry in ClinVar:

NM_001042492.3(NF1):c.373C>G (p.Arg125Gly)

Gene: NF1 (neurofibromin 1; plus strand). Cytogenetic location: 17q11.2.
Variant type: single nucleotide variant.
Coding change: c.373C>G on transcript NM_001042492.3 (MANE Select); coding-DNA position 373, C replaced by G.
Protein change: p.Arg125Gly; replaces arginine 125 with glycine.
Molecular consequence: missense variant.
Genome position (GRCh38, 1-based): chr17:31,163,270, C>G. VCF-style: chr17-31163270-C-G. GRCh37 (hg19) VCF-style: chr17-29490288-C-G.
Other names: c.373C>G, p.Arg125Gly (NM_000267.4, NM_001128147.3); short protein forms R125G.
Identifiers: ClinVar variation 481924 (VCV000481924.14), dbSNP rs876659418, ClinGen allele CA398981813.

ClinVar aggregate classification (germline): Uncertain significance. Review status: criteria provided, multiple submitters, no conflicts (2 of 4 stars). 3 submissions from 3 submitters: Uncertain significance (3). Last evaluated 2025-10-11.

Conditions:
Cardiovascular phenotype. Identifiers: MedGen CN230736.
Hereditary cancer-predisposing syndrome. Also called: Hereditary neoplastic syndrome; Neoplastic Syndromes, Hereditary; Tumor predisposition; Hereditary Cancer Syndrome. Identifiers: Orphanet 140162, MedGen C0027672, MeSH D009386, MONDO:0015356.
Neurofibromatosis, type 1 (NF1). Also called: VON RECKLINGHAUSEN DISEASE; Peripheral type neurofibromatosis; NEUROFIBROMATOSIS, TYPE I, SOMATIC; Neurofibromatosis, type I. Identifiers: Orphanet 636, MedGen C0027831, MONDO:0018975, OMIM 162200. Disease mechanism: loss of function.

gnomAD v4.1: 5 of 1,614,100 alleles (0.00031%); highest among the groups gnomAD compares: Non-Finnish European, 0.00042%; no homozygotes.

Submissions (3):

Ambry Genetics
Classification: Uncertain significance for Cardiovascular phenotype; Hereditary cancer-predisposing syndrome. Last evaluated: 2025-10-11. Review status: criteria provided, single submitter. Criteria: Ambry Variant Classification Scheme 2023. Collection method: clinical testing. Allele origin: germline.
Comment: The p.R125G variant (also known as c.373C>G), located in coding exon 4 of the NF1 gene, results from a C to G substitution at nucleotide position 373. The arginine at codon 125 is replaced by glycine, an amino acid with dissimilar properties. This amino acid position is highly conserved in available vertebrate species. In addition, this alteration is predicted to be deleterious by in silico analysis. Since supporting evidence is limited at this time, the clinical significance of this alteration remains unclear.

Labcorp Genetics (formerly Invitae), Labcorp
Classification: Uncertain significance for Neurofibromatosis, type 1. Last evaluated: 2022-07-22. Review status: criteria provided, single submitter. Criteria: Invitae Variant Classification Sherloc (09022015). Collection method: clinical testing. Allele origin: germline.
Comment: In summary, the available evidence is currently insufficient to determine the role of this variant in disease. Therefore, it has been classified as a Variant of Uncertain Significance. Advanced modeling of protein sequence and biophysical properties (such as structural, functional, and spatial information, amino acid conservation, physicochemical variation, residue mobility, and thermodynamic stability) performed at Invitae indicates that this missense variant is expected to disrupt NF1 protein function. ClinVar contains an entry for this variant (Variation ID: 481924). This variant has not been reported in the literature in individuals affected with NF1-related conditions. This variant is not present in population databases (gnomAD no frequency). This sequence change replaces arginine, which is basic and polar, with glycine, which is neutral and non-polar, at codon 125 of the NF1 protein (p.Arg125Gly).

Genome-Nilou Lab
Classification: Uncertain significance for Neurofibromatosis, type 1. Last evaluated: 2022-03-15. Review status: criteria provided, single submitter. Criteria: ACMG Guidelines, 2015. Collection method: clinical testing. Allele origin: germline. Affected: no.